The following is an entry in ClinVar:

NM_014908.4(DOLK):c.26C>T (p.Ala9Val)

Gene: DOLK (dolichol kinase; minus strand). Cytogenetic location: 9q34.11.
Variant type: single nucleotide variant.
Coding change: c.26C>T on transcript NM_014908.4 (MANE Select); coding-DNA position 26, C replaced by T.
Protein change: p.Ala9Val; replaces alanine 9 with valine.
Molecular consequence: missense variant.
Genome position (GRCh38, 1-based): chr9:128,947,278, G>A on the plus strand (C>T on the coding strand, the complement: DOLK is on the minus strand). VCF-style: chr9-128947278-G-A. GRCh37 (hg19) VCF-style: chr9-131709557-G-A.
Other names: short protein forms A9V.
Identifiers: ClinVar variation 1927951 (VCV001927951.4), dbSNP rs1441204897, ClinGen allele CA375129033.

ClinVar aggregate classification (germline): Uncertain significance (1 of 4 stars; one submission).

Conditions:
DK1-congenital disorder of glycosylation. Also called: DOLK-congenital disorder of glycosylation; Carbohydrate deficient glycoprotein syndrome type 1m; DK1-CDG; CONGENITAL DISORDER OF GLYCOSYLATION, TYPE Im; CDG Im; DK1 DEFICIENCY. Identifiers: Orphanet 91131, MedGen C1835849, MONDO:0012556, OMIM 610768.

Allele frequency attached by ClinVar (database versions not stated): gnomAD exomes 0.00001.

Submission:

Labcorp Genetics (formerly Invitae), Labcorp
Classification: Uncertain significance for DK1-congenital disorder of glycosylation. Last evaluated: 2022-04-25. Review status: criteria provided, single submitter. Criteria: Invitae Variant Classification Sherloc (09022015). Collection method: clinical testing. Allele origin: germline.
Comment: In summary, the available evidence is currently insufficient to determine the role of this variant in disease. Therefore, it has been classified as a Variant of Uncertain Significance. Algorithms developed to predict the effect of missense changes on protein structure and function output the following: SIFT: "Tolerated"; PolyPhen-2: "Benign"; Align-GVGD: "Class C0". The valine amino acid residue is found in multiple mammalian species, which suggests that this missense change does not adversely affect protein function. This variant has not been reported in the literature in individuals affected with DOLK-related conditions. This variant is present in population databases (no rsID available, gnomAD 0.006%). This sequence change replaces alanine, which is neutral and non-polar, with valine, which is neutral and non-polar, at codon 9 of the DOLK protein (p.Ala9Val).